The following is an entry in ClinVar:

NM_032043.3(BRIP1):c.2253_2254del (p.Lys752fs)

Gene: BRIP1 (BRCA1 interacting DNA helicase 1; minus strand). Cytogenetic location: 17q23.2.
Variant type: Microsatellite.
Coding change: c.2253_2254del on transcript NM_032043.3 (MANE Select); coding-DNA positions 2253 to 2254, 2 bases deleted (GA; older notation c.2253_2254delGA).
Protein change: p.Lys752fs; shifts the reading frame from lysine 752.
Molecular consequence: frameshift variant.
Genome position (GRCh38, 1-based): chr17:61,744,435-61,744,436, TC deleted on the plus strand (GA on the coding strand, the reverse complement: BRIP1 is on the minus strand); deleting any 2 consecutive bases within chr17:61,744,435-61,744,440 gives the same sequence; the c. name uses the placement nearest the transcript's 3' end. VCF-style (leftmost placement, unchanged base first): chr17-61744434-TTC-T. GRCh37 (hg19) VCF-style: chr17-59821795-TTC-T.
Other names: c.2253_2254delGA (NM_032043.2); short protein forms K752fs.
Identifiers: ClinVar variation 628733 (VCV000628733.33), dbSNP rs1555591308, ClinGen allele CA913188876.

ClinVar aggregate classification (germline): Pathogenic. Review status: criteria provided, multiple submitters, no conflicts (2 of 4 stars). 6 submissions from 6 submitters: Pathogenic (5). 1 of the submissions does not count toward it. Last evaluated 2025-07-02.

Conditions:
Hereditary cancer-predisposing syndrome. Also called: Hereditary Cancer Syndrome; Tumor predisposition; Neoplastic Syndromes, Hereditary; Hereditary neoplastic syndrome. Identifiers: Orphanet 140162, MedGen C0027672, MeSH D009386, MONDO:0015356.
Familial cancer of breast. Also called: BREAST CANCER, FAMILIAL; hereditary breast carcinoma; Hereditary breast cancer. Identifiers: Orphanet 227535, MedGen C0346153, MONDO:0016419, OMIM 114480. Disease mechanism: loss of function.
Fanconi anemia complementation group J. Also called: BRIP1-Related Fanconi Anemia. Identifiers: Orphanet 84, MedGen C1836860, MONDO:0012187, OMIM 609054.
Gastric cancer. Also called: Malignant tumor of stomach; Stomach cancer. Identifiers: MedGen C0024623, MeSH D013274, MONDO:0001056, OMIM 613659, HP:0012126.

Submissions (6):

Labcorp Genetics (formerly Invitae), Labcorp
Classification: Pathogenic for Familial cancer of breast; Fanconi anemia complementation group J. Last evaluated: 2025-07-02. Review status: criteria provided, single submitter. Criteria: Invitae Variant Classification Sherloc (09022015). Collection method: clinical testing. Allele origin: germline.
Comment: This sequence change creates a premature translational stop signal (p.Lys752Argfs*12) in the BRIP1 gene. It is expected to result in an absent or disrupted protein product. Loss-of-function variants in BRIP1 are known to be pathogenic (PMID: 16116423, 17033622, 21964575). This variant is not present in population databases (gnomAD no frequency). This variant has not been reported in the literature in individuals affected with BRIP1-related conditions. For these reasons, this variant has been classified as Pathogenic.

Myriad Genetics, Inc.
Classification: Pathogenic for Familial cancer of breast. Last evaluated: 2024-11-06. Review status: criteria provided, single submitter. Criteria: Myriad Autosomal Dominant, Autosomal Recessive and X-Linked Classification Criteria (2023). Collection method: clinical testing. Allele origin: unknown.
Comment: This variant is considered pathogenic. This variant creates a frameshift predicted to result in premature protein truncation.

Baylor Genetics
Classification: Pathogenic for Familial cancer of breast. Last evaluated: 2023-09-06. Review status: criteria provided, single submitter. Criteria: ACMG Guidelines, 2015. Collection method: clinical testing. Allele origin: unknown.

Ambry Genetics
Classification: Pathogenic for Hereditary cancer-predisposing syndrome. Last evaluated: 2023-02-10. Review status: criteria provided, single submitter. Criteria: Ambry Variant Classification Scheme 2023. Collection method: clinical testing. Allele origin: germline.
Comment: The c.2253_2254delGA pathogenic mutation, located in coding exon 14 of the BRIP1 gene, results from a deletion of two nucleotides at nucleotide positions 2253 to 2254, causing a translational frameshift with a predicted alternate stop codon (p.K752Rfs*12). This variant was present in 0/1005 Japanese pancreatic cancer patients and in 1/23705 controls (Mizukami K et al. EBioMedicine, 2020 Oct;60:103033). This alteration is expected to result in loss of function by premature protein truncation or nonsense-mediated mRNA decay. As such, this alteration is interpreted as a disease-causing mutation.

Color Diagnostics, LLC DBA Color Health
Classification: Pathogenic for Hereditary cancer-predisposing syndrome. Last evaluated: 2020-01-15. Review status: criteria provided, single submitter. Criteria: ACMG Guidelines, 2015. Collection method: clinical testing. Allele origin: germline.
Comment: This variant deletes 2 nucleotides in exon 15 of the BRIP1 gene, creating a frameshift and premature translation stop signal. This variant is expected to result in an absent or non-functional protein product. This variant has not been identified in the general population by the Genome Aggregation Database (gnomAD). Loss of BRIP1 function is a known mechanism of disease. Based on the available evidence, this variant is classified as Pathogenic.

Laboratory for Genotyping Development, RIKEN
Classification: Pathogenic for Gastric cancer. Last evaluated: 2021-07-01. Review status: no assertion criteria provided. Collection method: research. Allele origin: germline. Not counted in ClinVar's aggregate classification.

Literature cited by the submitters: PubMed 16116423 (cited by Labcorp Genetics (formerly Invitae), Labcorp); PubMed 17033622 (cited by Labcorp Genetics (formerly Invitae), Labcorp); PubMed 21964575 (cited by Labcorp Genetics (formerly Invitae), Labcorp); PubMed 32980694 (cited by Ambry Genetics); PubMed 36988593 (cited by Laboratory for Genotyping Development, RIKEN).